The following is an entry in ClinVar:

ClinVar aggregate classification (germline): Uncertain significance. Review status: criteria provided, multiple submitters, no conflicts (2 of 4 stars). 2 submissions from 2 submitters: Uncertain significance (2). Last evaluated 2023-08-31.

Conditions:
Alpha-methylacyl-CoA racemase deficiency (AMACRD). Also called: AMACR deficiency. Identifiers: Orphanet 79095, MedGen C3280428, MONDO:0013681, OMIM 614307. Disease mechanism: loss of function.

Allele frequency attached by ClinVar (database versions not stated): gnomAD exomes below 0.00001; TOPMed below 0.00001.
gnomAD v4.1: 1 of 1,609,968 alleles (0.000062%); highest among the groups gnomAD compares: Admixed American, 0.0017%; no homozygotes.

Submissions (2):

Women's Health and Genetics/Laboratory Corporation of America, LabCorp
Classification: Uncertain significance. Last evaluated: 2023-08-31. Review status: criteria provided, single submitter. Criteria: LabCorp Variant Classification Summary - May 2015. Collection method: clinical testing. Allele origin: germline.
Comment: Variant summary: AMACR c.722A>G (p.Tyr241Cys) results in a non-conservative amino acid change in the encoded protein sequence. Five of five in-silico tools predict a damaging effect of the variant on protein function. The variant allele was found at a frequency of 4e-06 in 249816 control chromosomes. The available data on variant occurrences in the general population are insufficient to allow any conclusion about variant significance. To our knowledge, no occurrence of c.722A>G in individuals affected with AMACR-Related Disorders and no experimental evidence demonstrating its impact on protein function have been reported. One submitter has cited clinical-significance assessments for this variant to ClinVar after 2014 and has classified the variant as uncertain significance. Based on the evidence outlined above, the variant was classified as uncertain significance.

Labcorp Genetics (formerly Invitae), Labcorp
Classification: Uncertain significance for Alpha-methylacyl-CoA racemase deficiency. Last evaluated: 2022-04-21. Review status: criteria provided, single submitter. Criteria: Invitae Variant Classification Sherloc (09022015). Collection method: clinical testing. Allele origin: germline.
Comment: In summary, the available evidence is currently insufficient to determine the role of this variant in disease. Therefore, it has been classified as a Variant of Uncertain Significance. Algorithms developed to predict the effect of missense changes on protein structure and function (SIFT, PolyPhen-2, Align-GVGD) all suggest that this variant is likely to be disruptive. This variant has not been reported in the literature in individuals affected with AMACR-related conditions. This variant is present in population databases (rs201659164, gnomAD 0.003%). This sequence change replaces tyrosine, which is neutral and polar, with cysteine, which is neutral and slightly polar, at codon 241 of the AMACR protein (p.Tyr241Cys).

NM_014324.6(AMACR):c.722A>G (p.Tyr241Cys)

Genes: C1QTNF3-AMACR (C1QTNF3-AMACR readthrough (NMD candidate); minus strand), AMACR (alpha-methylacyl-CoA racemase; minus strand). Cytogenetic location: 5p13.2.
Variant type: single nucleotide variant.
Coding change: c.722A>G on transcript NM_014324.6 (MANE Select); coding-DNA position 722, A replaced by G.
Protein change: p.Tyr241Cys; replaces tyrosine 241 with cysteine.
Molecular consequence: missense variant. On other transcripts: non-coding transcript variant (1), synonymous variant (1).
Genome position (GRCh38, 1-based): chr5:33,998,658, T>C on the plus strand (A>G on the coding strand, the complement: AMACR is on the minus strand). VCF-style: chr5-33998658-T-C. GRCh37 (hg19) VCF-style: chr5-33998763-T-C.
Other names: c.722A>G (NM_014324.5); c.722A>G, p.Tyr241Cys (NM_001167595.2); c.561A>G, p.Leu187= (NM_203382.3); short protein forms Y241C.
Identifiers: ClinVar variation 1949782 (VCV001949782.6), dbSNP rs201659164, ClinGen allele CA116866965.
Genomic context (GRCh38, chr5:33,998,658, plus strand): 5'-ACAGCAAAAGGGGAACTGGGGGAGACGCGTGAAGTTCACTTACCTTTGATCAGCAGCTCG[T>C]AGAACTGGGGTTCTATTGCTCCAACAGCCATGAATTCCCCATCTGCTGTCCTGTAAGTCG-3'
Protein context (NP_055139.4, residues 231-251): MAVGAIEPQF[Tyr241Cys]ELLIKGLGLK